The following is an entry in ClinVar:

NM_005450.6(NOG):c.605_615dup (p.Arg206fs)

Gene: NOG (noggin; plus strand). Cytogenetic location: 17q22.
Variant type: Duplication.
Coding change: c.605_615dup on transcript NM_005450.6 (MANE Select); coding-DNA positions 605 to 615, 11 bases duplicated (TGCTGCGGTGG).
Protein change: p.Arg206fs; shifts the reading frame from arginine 206.
Molecular consequence: frameshift variant.
Genome position (GRCh38, 1-based): chr17:56,594,828-56,594,838, TGCTGCGGTGG duplicated; duplicating any 11 consecutive bases within chr17:56,594,826-56,594,838 gives the same sequence; the c. name uses the placement nearest the transcript's 3' end. VCF-style (leftmost placement, unchanged base first): chr17-56594825-C-CGGTGCTGCGGT. GRCh37 (hg19) VCF-style: chr17-54672186-C-CGGTGCTGCGGT.
Other names: short protein forms R206fs.
Identifiers: ClinVar variation 4121210 (VCV004121210.1).

ClinVar aggregate classification (germline): Likely pathogenic (1 of 4 stars; one submission).

Conditions:
Inborn genetic diseases. Identifiers: MedGen C0950123, MeSH D030342.

Submission:

Ambry Genetics
Classification: Likely pathogenic for Inborn genetic diseases. Last evaluated: 2025-08-06. Review status: criteria provided, single submitter. Criteria: Ambry Variant Classification Scheme 2023. Collection method: clinical testing. Allele origin: germline.
Comment: The c.605_615dup11 (p.R206Cfs*62) alteration, located in exon 1 (coding exon 1) of the NOG gene, consists of a duplication of TGCTGCGGTGG at position 605, causing a translational frameshift with a predicted alternate stop codon after 62 amino acids. This alteration occurs at the 3' terminus of the NOG gene, is not expected to trigger nonsense-mediated mRNA decay and results in the elongation of the protein by 35 amino acids. This frameshift impacts the last 11.67% of the native protein. However, frameshifts are typically deleterious in nature, the impacted region is critical for protein function, and a significant portion of the protein is affected (Ambry internal data). This variant was not reported in population-based cohorts in the Genome Aggregation Database (gnomAD). Based on the available evidence, this alteration is classified as likely pathogenic.